The following is an entry in ClinVar:

ClinVar aggregate classification (germline): Benign. Review status: criteria provided, multiple submitters, no conflicts (2 of 4 stars). 15 submissions from 10 submitters: Benign (13). 2 of the submissions do not count toward it. Last evaluated 2026-02-03.

Conditions:
Charcot-Marie-Tooth disease. Also called: Charcot-Marie-Tooth Neuropathy; Charcot-Marie-Tooth Hereditary Neuropathy. Identifiers: Orphanet 166, MedGen C0007959, MONDO:0015626.
Scapuloperoneal spinal muscular atrophy (SPSMA). Also called: Scapuloperoneal spinal muscular atrophy, autosomal dominant; AMYOTROPHY, NEUROGENIC SCAPULOPERONEAL, NEW ENGLAND TYPE; Scapuloperoneal Form of Spinal Muscular Atrophy; Scapuloperoneal Spinal Muscular Atrophy, TRPV4-Related. Identifiers: Orphanet 431255, MedGen C0751335, MONDO:0008408, OMIM 181405.
Metatropic dysplasia (MTD). Also called: Metatropic dysplasia, nonlethal dominant; Metatropic Dysplasia, TRPV4-Related; METATROPIC DWARFISM. Identifiers: Orphanet 2635, MedGen C0265281, MONDO:0007986, OMIM 156530.
Charcot-Marie-Tooth disease axonal type 2C (HMSN2C). Also called: CHARCOT-MARIE-TOOTH DISEASE, AXONAL, AUTOSOMAL DOMINANT, TYPE 2C; Charcot-Marie-Tooth Neuropathy Type 2C; Charcot-Marie-Tooth Disease Type 2, TRPV4-Related (CMT2C). Identifiers: Orphanet 99937, MedGen C1853710, MONDO:0011633, OMIM 606071.
Neuronopathy, distal hereditary motor, autosomal dominant 8. Also called: SPINAL MUSCULAR ATROPHY, CONGENITAL BENIGN, WITH CONTRACTURES; NEURONOPATHY, DISTAL HEREDITARY MOTOR, TYPE VIII; NEUROPATHY, DISTAL HEREDITARY MOTOR, TYPE VIII; Autosomal dominant congenital benign spinal muscular atrophy. Identifiers: Orphanet 1216, MedGen C1838492, MONDO:0010839, OMIM 600175.
Brachyrachia (short spine dysplasia) (BCYM3). Also called: Brachyolmia Type 3; BRACHYRACHIA; Autosomal dominant brachyolmia; Brachyolmia, TRPV4-Related. Identifiers: Orphanet 93304, MedGen C0432227, MONDO:0007232, OMIM 113500.
Spondylometaphyseal dysplasia, Kozlowski type (SMDK). Also called: Dysmorphism arthrogryposis skeletal maturation advanced; Jequier-Kozlowski syndrome; Skeletal dysplasia Jequier-Kozlowski type; SMD Kozlowski type; Spondylometaphyseal Dysplasia, TRPV4-Related (Kozlowski Type). Identifiers: Orphanet 93314, MedGen C0265280, MONDO:0008477, OMIM 184252.

Allele frequency attached by ClinVar (database versions not stated): gnomAD 0.08494 and 0.08478; 1000 Genomes Project 30x 0.10556; ExAC 0.07464; TOPMed 0.09203; 1000 Genomes Project 0.10503; gnomAD exomes 0.05413 and 0.07533; ESP Exome Variant Server 0.08081.
gnomAD v4.1: 92,318 of 1,614,104 alleles (5.7%); highest among the groups gnomAD compares: African/African-American, 17%; 4,027 homozygotes.

Submissions (15):

Labcorp Genetics (formerly Invitae), Labcorp
Classification: Benign for Charcot-Marie-Tooth disease axonal type 2C. Last evaluated: 2026-02-03. Review status: criteria provided, single submitter. Criteria: Invitae Variant Classification Sherloc (09022015). Collection method: clinical testing. Allele origin: germline.

Illumina Laboratory Services, Illumina
Classification: Benign for Charcot-Marie-Tooth disease axonal type 2C. Last evaluated: 2018-01-13. Review status: criteria provided, single submitter. Criteria: ICSL Variant Classification Criteria 13 December 2019. Collection method: clinical testing. Allele origin: germline.
Comment: This variant was observed in the ICSL laboratory as part of a predisposition screen in an ostensibly healthy population. It had not been previously curated by ICSL or reported in the Human Gene Mutation Database (HGMD: prior to June 1st, 2018), and was therefore a candidate for classification through an automated scoring system. Utilizing variant allele frequency, disease prevalence and penetrance estimates, and inheritance mode, an automated score was calculated to assess if this variant is too frequent to cause the disease. Based on the score and internal cut-off values, a variant classified as benign is not then subjected to further curation. The score for this variant resulted in a classification of benign for this disease.

Illumina Laboratory Services, Illumina
Classification: Benign for Brachyrachia (short spine dysplasia). Last evaluated: 2018-01-13. Review status: criteria provided, single submitter. Criteria: ICSL Variant Classification Criteria 13 December 2019. Collection method: clinical testing. Allele origin: germline.
Comment: the same text as in the submission from Illumina Laboratory Services, Illumina above.

Illumina Laboratory Services, Illumina
Classification: Benign for Scapuloperoneal spinal muscular atrophy. Last evaluated: 2018-01-13. Review status: criteria provided, single submitter. Criteria: ICSL Variant Classification Criteria 13 December 2019. Collection method: clinical testing. Allele origin: germline.
Comment: the same text as in the submission from Illumina Laboratory Services, Illumina above.

Illumina Laboratory Services, Illumina
Classification: Benign for Spondylometaphyseal dysplasia, Kozlowski type. Last evaluated: 2018-01-13. Review status: criteria provided, single submitter. Criteria: ICSL Variant Classification Criteria 13 December 2019. Collection method: clinical testing. Allele origin: germline.
Comment: the same text as in the submission from Illumina Laboratory Services, Illumina above.

Illumina Laboratory Services, Illumina
Classification: Benign for Metatropic dysplasia. Last evaluated: 2018-01-13. Review status: criteria provided, single submitter. Criteria: ICSL Variant Classification Criteria 13 December 2019. Collection method: clinical testing. Allele origin: germline.
Comment: the same text as in the submission from Illumina Laboratory Services, Illumina above.

Illumina Laboratory Services, Illumina
Classification: Benign for Neuronopathy, distal hereditary motor, autosomal dominant 8. Last evaluated: 2018-01-13. Review status: criteria provided, single submitter. Criteria: ICSL Variant Classification Criteria 13 December 2019. Collection method: clinical testing. Allele origin: germline.
Comment: the same text as in the submission from Illumina Laboratory Services, Illumina above.

Athena Diagnostics
Classification: Benign. Last evaluated: 2017-07-26. Review status: criteria provided, single submitter. Criteria: Athena Diagnostics Criteria. Collection method: clinical testing. Allele origin: germline.

Mayo Clinic Laboratories, Mayo Clinic
Classification: Benign. Last evaluated: 2016-03-24. Review status: criteria provided, single submitter. Criteria: ACMG Guidelines, 2015. Collection method: clinical testing. Allele origin: germline. Observed: 227 variant alleles.

GeneDx
Classification: Benign. Last evaluated: 2014-01-28. Review status: criteria provided, single submitter. Criteria: GeneDx Variant Classification (06012015). Collection method: clinical testing. Allele origin: germline. Affected: yes.
Comment: This variant is considered likely benign or benign based on one or more of the following criteria: it is a conservative change, it occurs at a poorly conserved position in the protein, it is predicted to be benign by multiple in silico algorithms, and/or has population frequency not consistent with disease.

Breakthrough Genomics
Classification: Benign. Review status: criteria provided, single submitter. Criteria: ACMG Guidelines, 2015. Collection method: not provided. Allele origin: germline. Inheritance: Autosomal dominant inheritance. Affected: yes.

Molecular Genetics Laboratory, London Health Sciences Centre
Classification: Benign for Charcot-Marie-Tooth disease. Review status: criteria provided, single submitter. Criteria: ACMG Guidelines, 2015. Collection method: clinical testing. Allele origin: germline. Affected: yes.

PreventionGenetics, part of Exact Sciences
Classification: Benign. Review status: criteria provided, single submitter. Criteria: ACMG Guidelines, 2015. Collection method: clinical testing. Allele origin: germline.

Clinical Genetics, Academic Medical Center
Classification: Benign. Review status: no assertion criteria provided. Collection method: clinical testing. Allele origin: germline. Affected: yes. Study: VKGL Data-share Consensus. Not counted in ClinVar's aggregate classification.

Joint Genome Diagnostic Labs from Nijmegen and Maastricht, Radboudumc and MUMC+
Classification: Benign. Review status: no assertion criteria provided. Collection method: clinical testing. Allele origin: germline. Affected: yes. Study: VKGL Data-share Consensus. Not counted in ClinVar's aggregate classification.

NM_021625.5(TRPV4):c.795C>T (p.His265=)

Gene: TRPV4 (transient receptor potential cation channel subfamily V member 4; minus strand). Cytogenetic location: 12q24.11.
Variant type: single nucleotide variant.
Coding change: c.795C>T on transcript NM_021625.5 (MANE Select); coding-DNA position 795, C replaced by T.
Protein change: p.His265=; no amino-acid change (histidine 265 retained).
Molecular consequence: synonymous variant. On other transcripts: intron variant (2).
Genome position (GRCh38, 1-based): chr12:109,800,676, G>A on the plus strand (C>T on the coding strand, the complement: TRPV4 is on the minus strand). VCF-style: chr12-109800676-G-A. GRCh37 (hg19) VCF-style: chr12-110238481-G-A.
Other names: p.H265H:CAC>CAT; p.His265=; c.693C>T, p.His231= (NM_001177431.2); c.795C>T, p.His265= (NM_147204.3); c.713-1764C>T (NM_001177433.1, NM_001177428.1).
Identifiers: ClinVar variation 137723 (VCV000137723.23), dbSNP rs1344554, ClinGen allele CA291395.